The following is an entry in ClinVar:

NM_000368.5(TSC1):c.2044T>C (p.Ser682Pro)

Gene: TSC1 (TSC complex subunit 1; minus strand). Cytogenetic location: 9q34.13.
Variant type: single nucleotide variant.
Coding change: c.2044T>C on transcript NM_000368.5 (MANE Select); coding-DNA position 2044, T replaced by C.
Protein change: p.Ser682Pro; replaces serine 682 with proline.
Molecular consequence: missense variant.
Genome position (GRCh38, 1-based): chr9:132,903,815, A>G on the plus strand (T>C on the coding strand, the complement: TSC1 is on the minus strand). VCF-style: chr9-132903815-A-G. GRCh37 (hg19) VCF-style: chr9-135779202-A-G.
Other names: c.2041T>C, p.Ser681Pro (NM_001162426.2); c.1891T>C, p.Ser631Pro (NM_001162427.2); c.1681T>C, p.Ser561Pro (NM_001362177.2); short protein forms S561P, S681P, S631P, S682P.
Identifiers: ClinVar variation 649311 (VCV000649311.8), dbSNP rs1588304748, ClinGen allele CA375361166.

ClinVar aggregate classification (germline): Uncertain significance. Review status: criteria provided, multiple submitters, no conflicts (2 of 4 stars). 3 submissions from 3 submitters: Uncertain significance (3). Last evaluated 2025-02-28.

Conditions:
Tuberous sclerosis 1 (TSC1). Identifiers: Orphanet 805, MedGen C1854465, MONDO:0008612, OMIM 191100.
Hereditary cancer-predisposing syndrome. Also called: Hereditary Cancer Syndrome; Tumor predisposition; Neoplastic Syndromes, Hereditary; Hereditary neoplastic syndrome. Identifiers: Orphanet 140162, MedGen C0027672, MeSH D009386, MONDO:0015356.

Allele frequency attached by ClinVar (database versions not stated): gnomAD exomes below 0.00001; TOPMed below 0.00001; gnomAD 0.00001.
gnomAD v4.1: 3 of 1,613,744 alleles (0.00019%); highest among the groups gnomAD compares: Non-Finnish European, 0.00025%; no homozygotes.

Submissions (3):

Ambry Genetics
Classification: Uncertain significance for Hereditary cancer-predisposing syndrome. Last evaluated: 2025-02-28. Review status: criteria provided, single submitter. Criteria: Ambry Variant Classification Scheme 2023. Collection method: clinical testing. Allele origin: germline.
Comment: The p.S682P variant (also known as c.2044T>C), located in coding exon 15 of the TSC1 gene, results from a T to C substitution at nucleotide position 2044. The serine at codon 682 is replaced by proline, an amino acid with similar properties. This amino acid position is highly conserved in available vertebrate species. In addition, this alteration is predicted to be deleterious by in silico analysis. Based on the available evidence, the clinical significance of this variant remains unclear.

Labcorp Genetics (formerly Invitae), Labcorp
Classification: Uncertain significance for Tuberous sclerosis 1. Last evaluated: 2025-01-30. Review status: criteria provided, single submitter. Criteria: Invitae Variant Classification Sherloc (09022015). Collection method: clinical testing. Allele origin: germline.
Comment: This sequence change replaces serine, which is neutral and polar, with proline, which is neutral and non-polar, at codon 682 of the TSC1 protein (p.Ser682Pro). This variant is not present in population databases (gnomAD no frequency). This variant has not been reported in the literature in individuals affected with TSC1-related conditions. ClinVar contains an entry for this variant (Variation ID: 649311). Invitae Evidence Modeling of protein sequence and biophysical properties (such as structural, functional, and spatial information, amino acid conservation, physicochemical variation, residue mobility, and thermodynamic stability) indicates that this missense variant is not expected to disrupt TSC1 protein function with a negative predictive value of 95%. In summary, the available evidence is currently insufficient to determine the role of this variant in disease. Therefore, it has been classified as a Variant of Uncertain Significance.

GeneDx
Classification: Uncertain significance. Last evaluated: 2024-01-02. Review status: criteria provided, single submitter. Criteria: GeneDx Variant Classification Process June 2021. Collection method: clinical testing. Allele origin: germline. Affected: yes.
Comment: Not observed at significant frequency in large population cohorts (gnomAD); In silico analysis supports that this missense variant does not alter protein structure/function; Identified in an individual with autism spectrum disorder (PMID: 28250423); This variant is associated with the following publications: (PMID: 28250423)